The following is an entry in ClinVar:

NM_182493.3(MYLK3):c.1662G>C (p.Arg554=)

Gene: MYLK3 (myosin light chain kinase 3; minus strand). Cytogenetic location: 16q11.2.
Variant type: single nucleotide variant.
Coding change: c.1662G>C on transcript NM_182493.3 (MANE Select); coding-DNA position 1662, G replaced by C.
Protein change: p.Arg554=; no amino-acid change (arginine 554 retained).
Molecular consequence: synonymous variant.
Genome position (GRCh38, 1-based): chr16:46,729,594, C>G on the plus strand (G>C on the coding strand, the complement: MYLK3 is on the minus strand). VCF-style: chr16-46729594-C-G. GRCh37 (hg19) VCF-style: chr16-46763506-C-G.
Other names: c.639G>C, p.Arg213= (NM_001308301.1).
Identifiers: ClinVar variation 2785835 (VCV002785835.3), dbSNP rs2548904645, ClinGen allele CA494966957.

ClinVar aggregate classification (germline): Uncertain significance (1 of 4 stars; one submission).

Submission:

Labcorp Genetics (formerly Invitae), Labcorp
Classification: Uncertain significance. Last evaluated: 2024-01-02. Review status: criteria provided, single submitter. Criteria: Invitae Variant Classification Sherloc (09022015). Collection method: clinical testing. Allele origin: germline.
Comment: This sequence change affects codon 554 of the MYLK3 mRNA. It is a 'silent' change, meaning that it does not change the encoded amino acid sequence of the MYLK3 protein. This variant also falls at the last nucleotide of exon 6, which is part of the consensus splice site for this exon. This variant is not present in population databases (gnomAD no frequency). This variant has not been reported in the literature in individuals affected with MYLK3-related conditions. Variants that disrupt the consensus splice site are a relatively common cause of aberrant splicing (PMID: 17576681, 9536098). Algorithms developed to predict the effect of sequence changes on RNA splicing suggest that this variant may disrupt the consensus splice site. In summary, the available evidence is currently insufficient to determine the role of this variant in disease. Therefore, it has been classified as a Variant of Uncertain Significance.

Literature cited by the submitters: PubMed 17576681; PubMed 9536098.